The following is an entry in ClinVar:

ClinVar aggregate classification (germline): Uncertain significance (1 of 4 stars; one submission).

Allele frequency attached by ClinVar (database versions not stated): gnomAD 0.00001.
gnomAD v4.1: 1 of 1,613,988 alleles (0.000062%); highest among the groups gnomAD compares: African/African-American, 0.0013%; no homozygotes.

Submission:

Women's Health and Genetics/Laboratory Corporation of America, LabCorp
Classification: Uncertain significance. Last evaluated: 2023-10-18. Review status: criteria provided, single submitter. Criteria: LabCorp Variant Classification Summary - May 2015. Collection method: clinical testing. Allele origin: germline.
Comment: Variant summary: LDB3 c.94-1G>C is located in a canonical splice-site and is predicted to affect mRNA splicing resulting in a significantly altered protein due to either exon skipping, shortening, or inclusion of intronic material. Several computational tools predict a significant impact on normal splicing: Four predict the variant abolishes a canonical 3' acceptor site. However, these predictions have yet to be confirmed by functional studies. The variant was absent in 251426 control chromosomes (gnomAD). The available data on variant occurrences in the general population are insufficient to allow any conclusion about variant significance. To our knowledge, no occurrence of c.94-1G>C in individuals affected with Cardiomyopathy and no experimental evidence demonstrating its impact on protein function have been reported. No submitters have cited clinical-significance assessments for this variant to ClinVar after 2014. Based on the evidence outlined above, the variant was classified as uncertain significance.

NM_007078.3(LDB3):c.94-1G>C

Gene: LDB3 (LIM domain binding 3; plus strand). Cytogenetic location: 10q23.2.
Variant type: single nucleotide variant.
Coding change: c.94-1G>C on transcript NM_007078.3 (MANE Select); the canonical splice acceptor site of the intron before coding-DNA position 94, G replaced by C.
Molecular consequence: splice acceptor variant.
Genome position (GRCh38, 1-based): chr10:86,679,366, G>C. VCF-style: chr10-86679366-G-C. GRCh37 (hg19) VCF-style: chr10-88439123-G-C.
Other names: c.94-1G>C (NM_001368064.1, NM_001368063.1, NM_001368068.1 and 8 more transcripts).
Identifiers: ClinVar variation 2637808 (VCV002637808.1), dbSNP rs1844981876, ClinGen allele CA377450970.